The following is an entry in ClinVar:

ClinVar aggregate classification (germline): Conflicting classifications of pathogenicity. Review status: criteria provided, conflicting classifications (1 of 4 stars). 2 submissions from 2 submitters: Likely pathogenic (1); Uncertain significance (1). Last evaluated 2025-08-09.

Conditions:
Long QT syndrome (LQTS). Identifiers: MedGen C0023976, MeSH D008133, MONDO:0002442. Disease mechanism: loss of function. Inheritance: Various modes of inheritance.

Submissions (2):

Labcorp Genetics (formerly Invitae), Labcorp
Classification: Uncertain significance for Long QT syndrome. Last evaluated: 2025-08-09. Review status: criteria provided, single submitter. Criteria: Invitae Variant Classification Sherloc (09022015). Collection method: clinical testing. Allele origin: germline.
Comment: This sequence change replaces tyrosine, which is neutral and polar, with cysteine, which is neutral and slightly polar, at codon 125 of the KCNQ1 protein (p.Tyr125Cys). This variant is not present in population databases (gnomAD no frequency). This variant has not been reported in the literature in individuals affected with KCNQ1-related conditions. ClinVar contains an entry for this variant (Variation ID: 429656). Invitae Evidence Modeling of protein sequence and biophysical properties (such as structural, functional, and spatial information, amino acid conservation, physicochemical variation, residue mobility, and thermodynamic stability) indicates that this missense variant is expected to disrupt KCNQ1 protein function with a positive predictive value of 95%. In summary, the available evidence is currently insufficient to determine the role of this variant in disease. Therefore, it has been classified as a Variant of Uncertain Significance.

GeneDx
Classification: Likely pathogenic. Last evaluated: 2015-09-02. Review status: criteria provided, single submitter. Criteria: GeneDx Variant Classification (06012015). Collection method: clinical testing. Allele origin: germline. Affected: yes.
Comment: The Y125C variant has not been published as a pathogenic variant, nor has it been reported as a benign polymorphism to our knowledge. The Y125C variant was not observed in approximately 6,400 individuals of European and African American ancestry in the NHLBI Exome Sequencing Project, indicating it is not a common benign variant in these populations. The Y125C variant is a non-conservative amino acid substitution, which is likely to impact secondary protein structure as these residues differ in polarity, charge, size and/or other properties. In addition, this substitution occurs at a position that is conserved across species and in silico analysis predicts this variant is probably damaging to the protein structure/function. Furthermore, missense variants in nearby residues (E115G, P117L, C122Y, F127L, I132L, V133I, L134P) have been reported in the Human Gene Mutation Database in association with LQTS (Stenson et al., 2014), further supporting the functional importance of this region of the protein.Therefore, this variant is a strong candidate for a pathogenic variant, however the possibility that it is a benign variant cannot be excluded.

NM_000218.3(KCNQ1):c.374A>G (p.Tyr125Cys)

Gene: KCNQ1 (potassium voltage-gated channel subfamily Q member 1; plus strand). Cytogenetic location: 11p15.5.
Variant type: single nucleotide variant.
Coding change: c.374A>G on transcript NM_000218.3 (MANE Select); coding-DNA position 374, A replaced by G.
Protein change: p.Tyr125Cys; replaces tyrosine 125 with cysteine.
Molecular consequence: missense variant.
Genome position (GRCh38, 1-based): chr11:2,445,472, A>G. VCF-style: chr11-2445472-A-G. GRCh37 (hg19) VCF-style: chr11-2466702-A-G.
Other names: short protein forms Y125C.
Identifiers: ClinVar variation 429656 (VCV000429656.3), dbSNP rs1131691513, ClinGen allele CA379117805.